The following is an entry in ClinVar:

ClinVar aggregate classification (germline): Uncertain significance (1 of 4 stars; one submission).

Conditions:
Progressive myoclonic epilepsy type 9. Identifiers: Orphanet 457265, MedGen C4225289, MONDO:0014685, OMIM 616540.
Lipodystrophy, partial, acquired, susceptibility to (APLD). Also called: APLD, SUSCEPTIBILITY TO. Identifiers: MedGen C3887501, MONDO:0100476, OMIM 608709.

Allele frequency attached by ClinVar (database versions not stated): gnomAD 0.00001; gnomAD exomes 0.00002; ExAC 0.00006.
gnomAD v4.1: 10 of 1,607,866 alleles (0.00062%); highest among the groups gnomAD compares: Non-Finnish European, 0.00068%; no homozygotes.

Submission:

Labcorp Genetics (formerly Invitae), Labcorp
Classification: Uncertain significance for Progressive myoclonic epilepsy type 9; Lipodystrophy, partial, acquired, susceptibility to. Last evaluated: 2024-01-08. Review status: criteria provided, single submitter. Criteria: Invitae Variant Classification Sherloc (09022015). Collection method: clinical testing. Allele origin: germline.
Comment: This sequence change replaces serine, which is neutral and polar, with phenylalanine, which is neutral and non-polar, at codon 322 of the LMNB2 protein (p.Ser322Phe). The frequency data for this variant in the population databases is considered unreliable, as metrics indicate poor data quality at this position in the gnomAD database. This variant has not been reported in the literature in individuals affected with LMNB2-related conditions. ClinVar contains an entry for this variant (Variation ID: 1397875). Advanced modeling of protein sequence and biophysical properties (such as structural, functional, and spatial information, amino acid conservation, physicochemical variation, residue mobility, and thermodynamic stability) performed at Invitae indicates that this missense variant is expected to disrupt LMNB2 protein function with a positive predictive value of 80%. In summary, the available evidence is currently insufficient to determine the role of this variant in disease. Therefore, it has been classified as a Variant of Uncertain Significance.

NM_032737.4(LMNB2):c.965C>T (p.Ser322Phe)

Gene: LMNB2 (lamin B2; minus strand). Cytogenetic location: 19p13.3.
Variant type: single nucleotide variant.
Coding change: c.965C>T on transcript NM_032737.4 (MANE Select); coding-DNA position 965, C replaced by T.
Protein change: p.Ser322Phe; replaces serine 322 with phenylalanine.
Molecular consequence: missense variant.
Genome position (GRCh38, 1-based): chr19:2,434,804, G>A on the plus strand (C>T on the coding strand, the complement: LMNB2 is on the minus strand). VCF-style: chr19-2434804-G-A. GRCh37 (hg19) VCF-style: chr19-2434802-G-A.
Other names: short protein forms S322F.
Identifiers: ClinVar variation 1397875 (VCV001397875.8), dbSNP rs760403121, ClinGen allele CA9067672.